The following is an entry in ClinVar:

NM_130837.3(OPA1):c.640A>G (p.Thr214Ala)

Genes: OPA1 (OPA1 mitochondrial dynamin like GTPase; plus strand), OPA1-AS1 (OPA1 antisense RNA 1; minus strand). Cytogenetic location: 3q29.
Variant type: single nucleotide variant.
Coding change: c.640A>G on transcript NM_130837.3 (MANE Select); coding-DNA position 640, A replaced by G.
Protein change: p.Thr214Ala; replaces threonine 214 with alanine.
Molecular consequence: missense variant. On other transcripts: non-coding transcript variant (1).
Genome position (GRCh38, 1-based): chr3:193,618,898, A>G. VCF-style: chr3-193618898-A-G. GRCh37 (hg19) VCF-style: chr3-193336687-A-G.
Other names: c.106A>G, p.Thr36Ala (NM_001354663.2); c.214A>G, p.Thr72Ala (NM_001354664.2); c.586A>G, p.Thr196Ala (NM_015560.3, NM_130836.3); c.478A>G, p.Thr160Ala (NM_130831.3, NM_130833.3); c.532A>G, p.Thr178Ala (NM_130832.3, NM_130835.3); c.640A>G, p.Thr214Ala (NM_130834.3); short protein forms T36A, T160A, T178A, T72A, T196A, T214A.
Identifiers: ClinVar variation 2872548 (VCV002872548.3), dbSNP rs2474622313, ClinGen allele CA355788231.

ClinVar aggregate classification (germline): Uncertain significance (1 of 4 stars; one submission).

Submission:

Labcorp Genetics (formerly Invitae), Labcorp
Classification: Uncertain significance. Last evaluated: 2022-11-20. Review status: criteria provided, single submitter. Criteria: Invitae Variant Classification Sherloc (09022015). Collection method: clinical testing. Allele origin: germline.
Comment: This sequence change replaces threonine, which is neutral and polar, with alanine, which is neutral and non-polar, at codon 196 of the OPA1 protein (p.Thr196Ala). This variant is not present in population databases (gnomAD no frequency). This variant has not been reported in the literature in individuals affected with OPA1-related conditions. Advanced modeling of protein sequence and biophysical properties (such as structural, functional, and spatial information, amino acid conservation, physicochemical variation, residue mobility, and thermodynamic stability) performed at Invitae indicates that this missense variant is not expected to disrupt OPA1 protein function. In summary, the available evidence is currently insufficient to determine the role of this variant in disease. Therefore, it has been classified as a Variant of Uncertain Significance.